The following is an entry in ClinVar:

NM_006231.4(POLE):c.15C>A (p.Ser5Arg)

Genes: POLE (DNA polymerase epsilon, catalytic subunit; minus strand), LOC130009266 (ATAC-STARR-seq lymphoblastoid silent region 5123; plus strand). Cytogenetic location: 12q24.33.
Variant type: single nucleotide variant.
Coding change: c.15C>A on transcript NM_006231.4 (MANE Select); coding-DNA position 15, C replaced by A.
Protein change: p.Ser5Arg; replaces serine 5 with arginine.
Molecular consequence: missense variant.
Genome position (GRCh38, 1-based): chr12:132,687,301, G>T on the plus strand (C>A on the coding strand, the complement: POLE is on the minus strand). VCF-style: chr12-132687301-G-T. GRCh37 (hg19) VCF-style: chr12-133263887-G-T.
Other names: short protein forms S5R.
Identifiers: ClinVar variation 576083 (VCV000576083.9), dbSNP rs1361332747, ClinGen allele CA387373514.

ClinVar aggregate classification (germline): Uncertain significance (1 of 4 stars; one submission).

Submission:

Labcorp Genetics (formerly Invitae), Labcorp
Classification: Uncertain significance. Last evaluated: 2025-04-09. Review status: criteria provided, single submitter. Criteria: Invitae Variant Classification Sherloc (09022015). Collection method: clinical testing. Allele origin: germline.
Comment: This sequence change replaces serine, which is neutral and polar, with arginine, which is basic and polar, at codon 5 of the POLE protein (p.Ser5Arg). This variant is not present in population databases (gnomAD no frequency). This variant has not been reported in the literature in individuals affected with POLE-related conditions. ClinVar contains an entry for this variant (Variation ID: 576083). Experimental studies and prediction algorithms are not available or were not evaluated, and the functional significance of this variant is currently unknown. In summary, the available evidence is currently insufficient to determine the role of this variant in disease. Therefore, it has been classified as a Variant of Uncertain Significance.